The following is an entry in ClinVar:

NM_005188.4(CBL):c.131G>T (p.Ser44Ile)

Genes: CBL (Cbl proto-oncogene; plus strand), LOC130006895 (ATAC-STARR-seq lymphoblastoid silent region 3975; plus strand). Cytogenetic location: 11q23.3.
Variant type: single nucleotide variant.
Coding change: c.131G>T on transcript NM_005188.4 (MANE Select); coding-DNA position 131, G replaced by T.
Protein change: p.Ser44Ile; replaces serine 44 with isoleucine.
Molecular consequence: missense variant.
Genome position (GRCh38, 1-based): chr11:119,206,548, G>T. VCF-style: chr11-119206548-G-T. GRCh37 (hg19) VCF-style: chr11-119077258-G-T.
Other names: short protein forms S44I.
Identifiers: ClinVar variation 4843617 (VCV004843617.1).

ClinVar aggregate classification (germline): Uncertain significance (1 of 4 stars; one submission).

Conditions:
Cardiovascular phenotype. Identifiers: MedGen CN230736.

Submission:

Ambry Genetics
Classification: Uncertain significance for Cardiovascular phenotype. Last evaluated: 2025-12-22. Review status: criteria provided, single submitter. Criteria: Ambry Variant Classification Scheme 2023. Collection method: clinical testing. Allele origin: germline.
Comment: The p.S44I variant (also known as c.131G>T), located in coding exon 1 of the CBL gene, results from a G to T substitution at nucleotide position 131. The serine at codon 44 is replaced by isoleucine, an amino acid with dissimilar properties. This amino acid position is conserved. In addition, the in silico prediction for this alteration is inconclusive. Based on the available evidence, the clinical significance of this variant remains unclear.